The following is an entry in ClinVar:

NM_004260.4(RECQL4):c.1658T>C (p.Ile553Thr)

Gene: RECQL4 (RecQ like helicase 4; minus strand). Cytogenetic location: 8q24.3.
Variant type: single nucleotide variant.
Coding change: c.1658T>C on transcript NM_004260.4 (MANE Select); coding-DNA position 1658, T replaced by C.
Protein change: p.Ile553Thr; replaces isoleucine 553 with threonine.
Molecular consequence: missense variant. On other transcripts: non-coding transcript variant (3).
Genome position (GRCh38, 1-based): chr8:144,514,488, A>G on the plus strand (T>C on the coding strand, the complement: RECQL4 is on the minus strand). VCF-style: chr8-144514488-A-G. GRCh37 (hg19) VCF-style: chr8-145739872-A-G.
Other names: c.1562T>C, p.Ile521Thr (NM_001413017.1, NM_001413020.1); c.1658T>C, p.Ile553Thr (NM_001413018.1, NM_001413019.1, NM_001413033.1 and 1 more transcripts); c.587T>C, p.Ile196Thr (NM_001413021.1, NM_001413022.1, NM_001413023.1 and 7 more transcripts); c.1529T>C, p.Ile510Thr (NM_001413025.1); c.521T>C, p.Ile174Thr (NM_001413027.1, NM_001413030.1, NM_001413031.1 and 2 more transcripts); c.1307T>C, p.Ile436Thr (NM_001413029.1); c.1628T>C, p.Ile543Thr (NM_001413039.1); c.557T>C, p.Ile186Thr (NM_001413042.1); and 1 more; short protein forms I543T, I553T, I174T, I510T, I186T, I196T, I436T, I521T.
Identifiers: ClinVar variation 3431895 (VCV003431895.1).

ClinVar aggregate classification (germline): Uncertain significance (1 of 4 stars; one submission).

Conditions:
Inborn genetic diseases. Identifiers: MedGen C0950123, MeSH D030342.

gnomAD v4.1: 3 of 1,612,318 alleles (0.00019%); highest among the groups gnomAD compares: African/African-American, 0.0013%; no homozygotes.

Submission:

Ambry Genetics
Classification: Uncertain significance for Inborn genetic diseases. Last evaluated: 2024-11-28. Review status: criteria provided, single submitter. Criteria: Ambry Variant Classification Scheme 2023. Collection method: clinical testing. Allele origin: germline.
Comment: The p.I553T variant (also known as c.1658T>C), located in coding exon 10 of the RECQL4 gene, results from a T to C substitution at nucleotide position 1658. The isoleucine at codon 553 is replaced by threonine, an amino acid with similar properties. This amino acid position is conserved. In addition, the in silico prediction for this alteration is inconclusive. Based on the available evidence, the clinical significance of this variant remains unclear.